The following is an entry in ClinVar:

ClinVar aggregate classification (germline): Conflicting classifications of pathogenicity. Review status: criteria provided, conflicting classifications (1 of 4 stars). 2 submissions from 2 submitters: Uncertain significance (1); Likely benign (1). Last evaluated 2026-03-30.

Conditions:
ABCC12-related condition.

gnomAD v4.1: 426 of 1,614,072 alleles (0.026%); highest among the groups gnomAD compares: African/African-American, 0.5%; 2 homozygotes.

Submissions (2):

PreventionGenetics, part of Exact Sciences
Classification: Likely benign for ABCC12-related condition. Last evaluated: 2026-03-30. Review status: criteria provided, single submitter. Criteria: ACMG Guidelines, 2015. Collection method: clinical testing. Allele origin: germline.
Comment: This variant is classified as likely benign based on ACMG/AMP sequence variant interpretation guidelines (Richards et al. 2015 PMID: 25741868, with internal and published modifications).

Ambry Genetics
Classification: Uncertain significance. Last evaluated: 2025-08-03. Review status: criteria provided, single submitter. Criteria: Ambry Variant Classification Scheme 2023. Collection method: clinical testing. Allele origin: germline.

NM_001393797.1(ABCC12):c.3148T>C (p.Ser1050Pro)

Gene: ABCC12 (ATP binding cassette subfamily C member 12; minus strand). Cytogenetic location: 16q12.1.
Variant type: single nucleotide variant.
Coding change: c.3148T>C on transcript NM_001393797.1 (MANE Select); coding-DNA position 3148, T replaced by C.
Protein change: p.Ser1050Pro; replaces serine 1050 with proline.
Molecular consequence: missense variant. On other transcripts: non-coding transcript variant (6).
Genome position (GRCh38, 1-based): chr16:48,096,793, A>G on the plus strand (T>C on the coding strand, the complement: ABCC12 is on the minus strand). VCF-style: chr16-48096793-A-G. GRCh37 (hg19) VCF-style: chr16-48130704-A-G.
Other names: c.3148T>C, p.Ser1050Pro (NM_033226.3); short protein forms S1050P.
Identifiers: ClinVar variation 4118601 (VCV004118601.2).